The following is an entry in ClinVar:

NM_021098.3(CACNA1H):c.5084G>C (p.Gly1695Ala)

Gene: CACNA1H (calcium voltage-gated channel subunit alpha1 H; plus strand). Cytogenetic location: 16p13.3.
Variant type: single nucleotide variant.
Coding change: c.5084G>C on transcript NM_021098.3 (MANE Select); coding-DNA position 5084, G replaced by C.
Protein change: p.Gly1695Ala; replaces glycine 1695 with alanine.
Molecular consequence: missense variant.
Genome position (GRCh38, 1-based): chr16:1,215,286, G>C. VCF-style: chr16-1215286-G-C. GRCh37 (hg19) VCF-style: chr16-1265286-G-C.
Other names: c.5066G>C, p.Gly1689Ala (NM_001005407.2); short protein forms G1689A, G1695A.
Identifiers: ClinVar variation 1051197 (VCV001051197.9), dbSNP rs1969920469, ClinGen allele CA394146393.

ClinVar aggregate classification (germline): Uncertain significance (1 of 4 stars; one submission).

Conditions:
Hyperaldosteronism, familial, type IV (HALD4). Also called: FH IV; ALDOSTERONISM, PRIMARY, AND HYPERTENSION. Identifiers: Orphanet 642671, MedGen C4310756, MONDO:0014875, OMIM 617027.
Idiopathic generalized epilepsy. Also called: Generalised epilepsy; EIG. Identifiers: MedGen C0270850, MONDO:0005579, OMIM 600669.

Submission:

Labcorp Genetics (formerly Invitae), Labcorp
Classification: Uncertain significance for Idiopathic generalized epilepsy; Hyperaldosteronism, familial, type IV. Last evaluated: 2020-04-01. Review status: criteria provided, single submitter. Criteria: Invitae Variant Classification Sherloc (09022015). Collection method: clinical testing. Allele origin: germline.
Comment: This sequence change replaces glycine with alanine at codon 1695 of the CACNA1H protein (p.Gly1695Ala). The glycine residue is highly conserved and there is a small physicochemical difference between glycine and alanine. In summary, the available evidence is currently insufficient to determine the role of this variant in disease. Therefore, it has been classified as a Variant of Uncertain Significance. Algorithms developed to predict the effect of missense changes on protein structure and function (SIFT, PolyPhen-2, Align-GVGD) all suggest that this variant is likely to be disruptive, but these predictions have not been confirmed by published functional studies and their clinical significance is uncertain. This variant has not been reported in the literature in individuals with CACNA1H-related conditions. This variant is not present in population databases (ExAC no frequency).